The following is an entry in ClinVar:

ClinVar aggregate classification (germline): Conflicting classifications of pathogenicity. Review status: criteria provided, conflicting classifications (1 of 4 stars). 2 submissions from 2 submitters: Uncertain significance (1); Likely benign (1). Last evaluated 2026-09-11.

Conditions:
Cardiovascular phenotype. Identifiers: MedGen CN230736.
Familial hypobetalipoproteinemia 1. Also called: APOB-Related Familial Hypobetalipoproteinemia; Hypobetalipoproteinemia, normotriglyceridemic; Acanthocytosis with hypobetalipoproteinemia. Identifiers: MedGen C4551990, MONDO:0014252, OMIM 615558.
Hypercholesterolemia, autosomal dominant, type B (FHCL2). Also called: Familial hypercholesterolemia 2; Hyperlipoproteinemia Type IIb; Familial Hypercholesterolemia Type B; APOB-Related Familial Hypercholesterolemia, Autosomal Dominant; APOLIPOPROTEIN B-100, FAMILIAL DEFECTIVE; APOLIPOPROTEIN B-100, FAMILIAL LIGAND-DEFECTIVE. Identifiers: MedGen C1704417, MONDO:0007751, OMIM 144010.

Allele frequency attached by ClinVar (database versions not stated): gnomAD exomes below 0.00001.
gnomAD v4.1: 2 of 1,588,608 alleles (0.00013%); highest among the groups gnomAD compares: Admixed American, 0.0017%; no homozygotes.

Submissions (2):

Ambry Genetics
Classification: Uncertain significance for Cardiovascular phenotype. Last evaluated: 2026-09-11. Review status: criteria provided, single submitter. Criteria: Ambry Variant Classification Scheme 2023. Collection method: clinical testing. Allele origin: germline.
Comment: The p.H1109L variant (also known as c.3326A>T), located in coding exon 21 of the APOB gene, results from an A to T substitution at nucleotide position 3326. The histidine at codon 1109 is replaced by leucine, an amino acid with similar properties. This amino acid position is conserved. In addition, this alteration is predicted to be tolerated by in silico analysis. Based on the available evidence, the clinical significance of this variant remains unclear.

Labcorp Genetics (formerly Invitae), Labcorp
Classification: Likely benign for Familial hypobetalipoproteinemia 1; Hypercholesterolemia, autosomal dominant, type B. Last evaluated: 2023-03-21. Review status: criteria provided, single submitter. Criteria: Invitae Variant Classification Sherloc (09022015). Collection method: clinical testing. Allele origin: germline.

NM_000384.3(APOB):c.3326A>T (p.His1109Leu)

Gene: APOB (apolipoprotein B; minus strand). Cytogenetic location: 2p24.1.
Variant type: single nucleotide variant.
Coding change: c.3326A>T on transcript NM_000384.3 (MANE Select); coding-DNA position 3326, A replaced by T.
Protein change: p.His1109Leu; replaces histidine 1109 with leucine.
Molecular consequence: missense variant.
Genome position (GRCh38, 1-based): chr2:21,016,445, T>A on the plus strand (A>T on the coding strand, the complement: APOB is on the minus strand). VCF-style: chr2-21016445-T-A. GRCh37 (hg19) VCF-style: chr2-21239317-T-A.
Other names: c.3326A>T (NM_000384.2); short protein forms H1109L.
Identifiers: ClinVar variation 2938460 (VCV002938460.5), dbSNP rs1483048912, ClinGen allele CA346009335.
Genomic context (GRCh38, chr2:21,016,445, plus strand): 5'-AAAAGAACCACCCAGGCCTGCAGTGCAGGTCAGATGACCCTCGGCCTTCTTTACCTTAGG[T>A]GGCCCATGAGGGCGACCTCAGTAATTTTCTTGTTCTGAATGTCCAGGGTGAGTCTGTAAG-3'
Protein context (NP_000375.3, residues 1099-1119): KKITEVALMG[His1109Leu]LSCDTKEERK